The following is an entry in ClinVar:

NM_020975.6(RET):c.29G>C (p.Gly10Ala)

Genes: RET (ret proto-oncogene; plus strand), LOC106736614 (RET 5' regulatory region; plus strand). Cytogenetic location: 10q11.21.
Variant type: single nucleotide variant.
Coding change: c.29G>C on transcript NM_020975.6 (MANE Select); coding-DNA position 29, G replaced by C.
Protein change: p.Gly10Ala; replaces glycine 10 with alanine.
Molecular consequence: missense variant.
Genome position (GRCh38, 1-based): chr10:43,077,287, G>C. VCF-style: chr10-43077287-G-C. GRCh37 (hg19) VCF-style: chr10-43572735-G-C.
Other names: c.29G>C, p.Gly10Ala (NM_001406762.1, NM_001406763.1, NM_001406764.1 and 38 more transcripts); short protein forms G10A.
Identifiers: ClinVar variation 1426573 (VCV001426573.10), dbSNP rs1303812507, ClinGen allele CA376768051.

ClinVar aggregate classification (germline): Uncertain significance. Review status: criteria provided, multiple submitters, no conflicts (2 of 4 stars). 2 submissions from 2 submitters: Uncertain significance (2). Last evaluated 2025-12-31.

Conditions:
Multiple endocrine neoplasia, type 2 (MEN2). Identifiers: Orphanet 653, MedGen C4048306, MONDO:0019003. Disease mechanism: gain of function.
Hereditary cancer-predisposing syndrome. Also called: Tumor predisposition; Hereditary neoplastic syndrome; Neoplastic Syndromes, Hereditary; Hereditary Cancer Syndrome. Identifiers: Orphanet 140162, MedGen C0027672, MeSH D009386, MONDO:0015356.

gnomAD v4.1: 1 of 1,509,480 alleles (0.000066%); highest among the groups gnomAD compares: East Asian, 0.0026%; no homozygotes.

Submissions (2):

Labcorp Genetics (formerly Invitae), Labcorp
Classification: Uncertain significance for Multiple endocrine neoplasia, type 2. Last evaluated: 2025-12-31. Review status: criteria provided, single submitter. Criteria: Invitae Variant Classification Sherloc (09022015). Collection method: clinical testing. Allele origin: germline.
Comment: This sequence change replaces glycine, which is neutral and non-polar, with alanine, which is neutral and non-polar, at codon 10 of the RET protein (p.Gly10Ala). This variant is not present in population databases (gnomAD no frequency). This variant has not been reported in the literature in individuals affected with RET-related conditions. ClinVar contains an entry for this variant (Variation ID: 1426573). An algorithm developed to predict the effect of missense changes on protein structure and function (PolyPhen-2) suggests that this variant is likely to be tolerated. In summary, the available evidence is currently insufficient to determine the role of this variant in disease. Therefore, it has been classified as a Variant of Uncertain Significance.

Ambry Genetics
Classification: Uncertain significance for Hereditary cancer-predisposing syndrome. Last evaluated: 2024-06-25. Review status: criteria provided, single submitter. Criteria: Ambry Variant Classification Scheme 2023. Collection method: clinical testing. Allele origin: germline.
Comment: The p.G10A variant (also known as c.29G>C), located in coding exon 1 of the RET gene, results from a G to C substitution at nucleotide position 29. The glycine at codon 10 is replaced by alanine, an amino acid with similar properties. This amino acid position is highly conserved in available vertebrate species. In addition, the in silico prediction for this alteration is inconclusive. Based on the available evidence, the clinical significance of this variant remains unclear.